The following is an entry in ClinVar:

ClinVar aggregate classification (germline): Uncertain significance. Review status: criteria provided, multiple submitters, no conflicts (2 of 4 stars). 2 submissions from 2 submitters: Uncertain significance (2). Last evaluated 2025-09-22.

Conditions:
Cardiovascular phenotype. Identifiers: MedGen CN230736.
ANKRD1-related dilated cardiomyopathy. Identifiers: MedGen CN119551.

Allele frequency attached by ClinVar (database versions not stated): TOPMed below 0.00001; ExAC 0.00001.
gnomAD v4.1: 4 of 1,613,684 alleles (0.00025%); highest among the groups gnomAD compares: Middle Eastern, 0.017%; no homozygotes.

Submissions (2):

Ambry Genetics
Classification: Uncertain significance for Cardiovascular phenotype. Last evaluated: 2025-09-22. Review status: criteria provided, single submitter. Criteria: Ambry Variant Classification Scheme 2023. Collection method: clinical testing. Allele origin: germline.

Labcorp Genetics (formerly Invitae), Labcorp
Classification: Uncertain significance for ANKRD1-related dilated cardiomyopathy. Last evaluated: 2023-12-23. Review status: criteria provided, single submitter. Criteria: Invitae Variant Classification Sherloc (09022015). Collection method: clinical testing. Allele origin: germline.
Comment: This sequence change replaces alanine, which is neutral and non-polar, with threonine, which is neutral and polar, at codon 235 of the ANKRD1 protein (p.Ala235Thr). This variant is present in population databases (rs768116191, gnomAD 0.0009%). This variant has not been reported in the literature in individuals affected with ANKRD1-related conditions. ClinVar contains an entry for this variant (Variation ID: 1756832). Advanced modeling of protein sequence and biophysical properties (such as structural, functional, and spatial information, amino acid conservation, physicochemical variation, residue mobility, and thermodynamic stability) performed at Invitae indicates that this missense variant is not expected to disrupt ANKRD1 protein function with a negative predictive value of 80%. In summary, the available evidence is currently insufficient to determine the role of this variant in disease. Therefore, it has been classified as a Variant of Uncertain Significance.

NM_014391.3(ANKRD1):c.703G>A (p.Ala235Thr)

Gene: ANKRD1 (ankyrin repeat domain 1; minus strand). Cytogenetic location: 10q23.31.
Variant type: single nucleotide variant.
Coding change: c.703G>A on transcript NM_014391.3 (MANE Select); coding-DNA position 703, G replaced by A.
Protein change: p.Ala235Thr; replaces alanine 235 with threonine.
Molecular consequence: missense variant.
Genome position (GRCh38, 1-based): chr10:90,915,829, C>T on the plus strand (G>A on the coding strand, the complement: ANKRD1 is on the minus strand). VCF-style: chr10-90915829-C-T. GRCh37 (hg19) VCF-style: chr10-92675586-C-T.
Other names: short protein forms A235T.
Identifiers: ClinVar variation 1756832 (VCV001756832.7), dbSNP rs768116191, ClinGen allele CA5598647.